The following is an entry in ClinVar:

ClinVar aggregate classification (germline): Likely benign. Review status: criteria provided, multiple submitters, no conflicts (2 of 4 stars). 2 submissions from 2 submitters: Likely benign (2). Last evaluated 2026-03-31.

Conditions:
CNNM4-related disorder. Also called: CNNM4-related condition.

Allele frequency attached by ClinVar (database versions not stated): ExAC 0.00002.
gnomAD v4.1: 18 of 1,614,092 alleles (0.0011%); highest among the groups gnomAD compares: South Asian, 0.0055%; no homozygotes.

Submissions (2):

PreventionGenetics, part of Exact Sciences
Classification: Likely benign for CNNM4-related condition. Last evaluated: 2026-03-31. Review status: criteria provided, single submitter. Criteria: ACMG Guidelines, 2015. Collection method: clinical testing. Allele origin: germline.
Comment: This variant is classified as likely benign based on ACMG/AMP sequence variant interpretation guidelines (Richards et al. 2015 PMID: 25741868, with internal and published modifications).

Labcorp Genetics (formerly Invitae), Labcorp
Classification: Likely benign. Last evaluated: 2022-04-25. Review status: criteria provided, single submitter. Criteria: Invitae Variant Classification Sherloc (09022015). Collection method: clinical testing. Allele origin: germline.

NM_020184.4(CNNM4):c.2313C>T (p.His771=)

Gene: CNNM4 (cyclin and CBS domain divalent metal cation transport mediator 4; plus strand). Cytogenetic location: 2q11.2.
Variant type: single nucleotide variant.
Coding change: c.2313C>T on transcript NM_020184.4 (MANE Select); coding-DNA position 2313, C replaced by T.
Protein change: p.His771=; no amino-acid change (histidine 771 retained).
Molecular consequence: synonymous variant.
Genome position (GRCh38, 1-based): chr2:96,809,502, C>T. VCF-style: chr2-96809502-C-T. GRCh37 (hg19) VCF-style: chr2-97475239-C-T.
Other names: c.2313C>T (NM_020184.3).
Identifiers: ClinVar variation 1915053 (VCV001915053.6), dbSNP rs766430198, ClinGen allele CA1783638.
Genomic context (GRCh38, chr2:96,809,502, plus strand): 5'-GGTGGACGAGACCACAACTCTTCTCAACGAGCGTAACTCCTTGCTGCACAAAGCCTCCCA[C>T]GAGAATGCCATCTGACAGGAGGGCCCGGGGCCCCCTGCCCACCCTGCGGGGGCCTCCCCA-3'
Protein context (NP_064569.3, residues 761-775): ERNSLLHKAS[His771=]ENAI